The following is an entry in ClinVar:

ClinVar aggregate classification (germline): Likely pathogenic. Review status: criteria provided, single submitter (1 of 4 stars). 3 submissions from 3 submitters: Likely pathogenic (1). 2 of the submissions do not count toward it. Last evaluated 2024-12-03.

Conditions:
Hereditary hyperferritinemia with congenital cataracts. Also called: Hereditary hyperferritinemia cataract syndrome; Bonneau-Beaumont syndrome; HYPERFERRITINEMIA WITH OR WITHOUT CATARACT. Identifiers: Orphanet 163, MedGen C1833213, MONDO:0010952, OMIM 600886.
Neuroferritinopathy (NBIA3). Also called: NEURODEGENERATION WITH BRAIN IRON ACCUMULATION 3; BASAL GANGLIA DISEASE, ADULT-ONSET. Identifiers: Orphanet 157846, MedGen C1853578, MONDO:0011638, OMIM 606159.

Submissions (3):

Labcorp Genetics (formerly Invitae), Labcorp
Classification: Likely pathogenic for Neuroferritinopathy; Hereditary hyperferritinemia with congenital cataracts. Last evaluated: 2024-12-03. Review status: criteria provided, single submitter. Criteria: Invitae Variant Classification Sherloc (09022015). Collection method: clinical testing. Allele origin: germline.
Comment: This sequence change creates a premature translational stop signal (p.Leu162Argfs*24) in the FTL gene. While this is not anticipated to result in nonsense mediated decay, it is expected to disrupt the last 14 amino acid(s) of the FTL protein. This variant is not present in population databases (gnomAD no frequency). This premature translational stop signal has been observed in individual(s) with neuroferritinopathy (PMID: 18413574). ClinVar contains an entry for this variant (Variation ID: 16488). This variant is located in a region of the FTL protein where a significant number of FTL frameshift mutations are have been reported in association with autosomal dominant neurodegeneration with brain iron accumulation (PMID: 36233161, 15099026, 11438811, 25832658). In summary, the currently available evidence indicates that the variant is pathogenic, but additional data are needed to prove that conclusively. Therefore, this variant has been classified as Likely Pathogenic.

OMIM
Classification: Pathogenic for NEURODEGENERATION WITH BRAIN IRON ACCUMULATION 3. Last evaluated: 2008-04-15. Review status: no assertion criteria provided. Collection method: literature only. Allele origin: germline. Not counted in ClinVar's aggregate classification.

GeneReviews
No classification provided. Condition: Neuroferritinopathy. Review status: no classification provided. Collection method: literature only. Allele origin: germline. Not counted in ClinVar's aggregate classification.

Literature cited by the submitters: PubMed 18413574 (cited by Labcorp Genetics (formerly Invitae), Labcorp and OMIM); PubMed 36233161 (cited by Labcorp Genetics (formerly Invitae), Labcorp); PubMed 15099026 (cited by Labcorp Genetics (formerly Invitae), Labcorp); PubMed 11438811 (cited by Labcorp Genetics (formerly Invitae), Labcorp); PubMed 25832658 (cited by Labcorp Genetics (formerly Invitae), Labcorp); NCBI Bookshelf NBK1141 (cited by GeneReviews).

NM_000146.4(FTL):c.469_484dup (p.Leu162fs)

Gene: FTL (ferritin light chain; plus strand). Cytogenetic location: 19q13.33.
Variant type: Duplication.
Coding change: c.469_484dup on transcript NM_000146.4 (MANE Select); coding-DNA positions 469 to 484, 16 bases duplicated (GGCCCGGAGGCTGGGC).
Protein change: p.Leu162fs; shifts the reading frame from leucine 162.
Molecular consequence: frameshift variant.
Genome position (GRCh38, 1-based): chr19:48,966,676-48,966,691, GGCCCGGAGGCTGGGC duplicated. VCF-style (leftmost placement, unchanged base first): chr19-48966675-T-TGGCCCGGAGGCTGGGC. GRCh37 (hg19) VCF-style: chr19-49469932-T-TGGCCCGGAGGCTGGGC.
Other names: short protein forms L162fs.
Identifiers: ClinVar variation 16488 (VCV000016488.5), dbSNP rs398124640, ClinGen allele CA281023.